The following is an entry in ClinVar:

ClinVar aggregate classification (germline): Pathogenic (1 of 4 stars; one submission).

Conditions:
Pyruvate dehydrogenase E3 deficiency (DLDD). Also called: Dihydrolipoamide Dehydrogenase Deficiency; MAPLE SYRUP URINE DISEASE, TYPE III; Dihydrolipoamide Dehydrogenase (E3) Deficiency; DLD DEFICIENCY; E3 DEFICIENCY; Dihydrolipoamide Dehydrogenase E3 Deficiency. Identifiers: Orphanet 2394, Orphanet 765, MedGen C5574660, MONDO:0009529, OMIM 246900.

Submission:

Labcorp Genetics (formerly Invitae), Labcorp
Classification: Pathogenic for Pyruvate dehydrogenase E3 deficiency. Last evaluated: 2025-01-23. Review status: criteria provided, single submitter. Criteria: Invitae Variant Classification Sherloc (09022015). Collection method: clinical testing. Allele origin: germline.
Comment: This sequence change creates a premature translational stop signal (p.Leu235Argfs*8) in the DLD gene. It is expected to result in an absent or disrupted protein product. Loss-of-function variants in DLD are known to be pathogenic (PMID: 8968745, 9934985). This variant is present in population databases (rs763393899, gnomAD 0.003%). This premature translational stop signal has been observed in individual(s) with dihydrolipoamide dehydrogenase deficiency (PMID: 33306821). For these reasons, this variant has been classified as Pathogenic.

Literature cited by the submitters: PubMed 8968745; PubMed 9934985; PubMed 33306821.

NM_000108.5(DLD):c.704_705del (p.Leu235fs)

Gene: DLD (dihydrolipoamide dehydrogenase; plus strand). Cytogenetic location: 7q31.1.
Variant type: Deletion.
Coding change: c.704_705del on transcript NM_000108.5 (MANE Select); coding-DNA positions 704 to 705, 2 bases deleted (TT; older notation c.704_705delTT).
Protein change: p.Leu235fs; shifts the reading frame from leucine 235.
Molecular consequence: frameshift variant.
Genome position (GRCh38, 1-based): chr7:107,915,525-107,915,526, TT deleted. VCF-style (leftmost placement, unchanged base first): chr7-107915524-CTT-C. GRCh37 (hg19) VCF-style: chr7-107555969-CTT-C.
Other names: c.635_636del, p.Leu212fs (NM_001289751.1); c.560_561del, p.Leu187fs (NM_001289752.1); c.407_408del, p.Leu136fs (NM_001289750.1); short protein forms L136fs, L212fs, L187fs, L235fs.
Identifiers: ClinVar variation 4763808 (VCV004763808.1).